The following is an entry in ClinVar:

NM_001206927.2(DNAH8):c.12052C>T (p.Arg4018Cys)

Genes: DNAH8 (dynein axonemal heavy chain 8; plus strand), DNAH8-AS1 (DNAH8 antisense RNA 1; minus strand). Cytogenetic location: 6p21.2.
Variant type: single nucleotide variant.
Coding change: c.12052C>T on transcript NM_001206927.2 (MANE Select); coding-DNA position 12052, C replaced by T.
Protein change: p.Arg4018Cys; replaces arginine 4018 with cysteine.
Molecular consequence: missense variant.
Genome position (GRCh38, 1-based): chr6:38,945,511, C>T. VCF-style: chr6-38945511-C-T. GRCh37 (hg19) VCF-style: chr6-38913287-C-T.
Other names: c.11401C>T, p.Arg3801Cys (NM_001371.4); short protein forms R4018C, R3801C.
Identifiers: ClinVar variation 1034835 (VCV001034835.6), dbSNP rs577374411, ClinGen allele CA3791252.

ClinVar aggregate classification (germline): Uncertain significance (1 of 4 stars; one submission).

Conditions:
Primary ciliary dyskinesia. Also called: Ciliary dyskinesia. Identifiers: Orphanet 244, MedGen C0008780, MONDO:0016575, HP:0012265.

Allele frequency attached by ClinVar (database versions not stated): gnomAD exomes 0.00018 and 0.00009; 1000 Genomes Project 0.00020; TOPMed 0.00002; ExAC 0.00008; gnomAD 0.00012 and 0.00013; 1000 Genomes Project 30x 0.00016.
gnomAD v4.1: 150 of 1,614,166 alleles (0.0093%); highest among the groups gnomAD compares: Middle Eastern, 0.033%; no homozygotes.

Submission:

Labcorp Genetics (formerly Invitae), Labcorp
Classification: Uncertain significance for Primary ciliary dyskinesia. Last evaluated: 2021-08-31. Review status: criteria provided, single submitter. Criteria: Invitae Variant Classification Sherloc (09022015). Collection method: clinical testing. Allele origin: germline.
Comment: This sequence change replaces arginine with cysteine at codon 4018 of the DNAH8 protein (p.Arg4018Cys). The arginine residue is highly conserved and there is a large physicochemical difference between arginine and cysteine. This variant is present in population databases (rs577374411, ExAC 0.05%). This variant has not been reported in the literature in individuals affected with DNAH8-related conditions. Experimental studies and prediction algorithms are not available or were not evaluated, and the functional significance of this variant is currently unknown. In summary, the available evidence is currently insufficient to determine the role of this variant in disease. Therefore, it has been classified as a Variant of Uncertain Significance.